The following is an entry in ClinVar:

ClinVar aggregate classification (germline): Likely benign. Review status: criteria provided, multiple submitters, no conflicts (2 of 4 stars). 2 submissions from 2 submitters: Likely benign (2). Last evaluated 2025-11-09.

Conditions:
Lafora disease. Also called: Epilepsy progressive myoclonic 2; Progressive Myoclonus Epilepsy, Lafora Type. Identifiers: Orphanet 501, MedGen C0751783, MONDO:0009697.

Allele frequency attached by ClinVar (database versions not stated): 1000 Genomes Project 30x 0.00016; 1000 Genomes Project 0.00020; ExAC 0.00004; TOPMed 0.00007; gnomAD 0.00008.
gnomAD v4.1: 22 of 1,614,104 alleles (0.0014%); highest among the groups gnomAD compares: African/African-American, 0.025%; no homozygotes.

Submissions (2):

Labcorp Genetics (formerly Invitae), Labcorp
Classification: Likely benign for Lafora disease. Last evaluated: 2025-11-09. Review status: criteria provided, single submitter. Criteria: Invitae Variant Classification Sherloc (09022015). Collection method: clinical testing. Allele origin: germline.

GeneDx
Classification: Likely benign. Last evaluated: 2017-12-06. Review status: criteria provided, single submitter. Criteria: GeneDx Variant Classification (06012015). Collection method: clinical testing. Allele origin: germline. Affected: yes.
Comment: This variant is considered likely benign or benign based on one or more of the following criteria: it is a conservative change, it occurs at a poorly conserved position in the protein, it is predicted to be benign by multiple in silico algorithms, and/or has population frequency not consistent with disease.

NM_198586.3(NHLRC1):c.933G>T (p.Gly311=)

Gene: NHLRC1 (NHL repeat containing E3 ubiquitin protein ligase 1; minus strand). Cytogenetic location: 6p22.3.
Variant type: single nucleotide variant.
Coding change: c.933G>T on transcript NM_198586.3 (MANE Select); coding-DNA position 933, G replaced by T.
Protein change: p.Gly311=; no amino-acid change (glycine 311 retained).
Molecular consequence: synonymous variant.
Genome position (GRCh38, 1-based): chr6:18,121,674, C>A on the plus strand (G>T on the coding strand, the complement: NHLRC1 is on the minus strand). VCF-style: chr6-18121674-C-A. GRCh37 (hg19) VCF-style: chr6-18121905-C-A.
Identifiers: ClinVar variation 513868 (VCV000513868.10), dbSNP rs527299943, ClinGen allele CA3649901.